The following is an entry in ClinVar:

NM_022124.6(CDH23):c.7942G>A (p.Val2648Met)

Genes: CDH23 (cadherin related 23; plus strand), LOC111982869 (Sharpr-MPRA regulatory region 2121; plus strand). Cytogenetic location: 10q22.1.
Variant type: single nucleotide variant.
Coding change: c.7942G>A on transcript NM_022124.6 (MANE Select); coding-DNA position 7942, G replaced by A.
Protein change: p.Val2648Met; replaces valine 2648 with methionine.
Molecular consequence: missense variant.
Genome position (GRCh38, 1-based): chr10:71,805,875, G>A. VCF-style: chr10-71805875-G-A. GRCh37 (hg19) VCF-style: chr10-73565632-G-A.
Other names: c.7942G>A (NM_022124.5); c.1222G>A, p.Val408Met (NM_001171933.1, NM_001171934.1); short protein forms V2648M, V408M.
Identifiers: ClinVar variation 1424053 (VCV001424053.14), dbSNP rs749501038, ClinGen allele CA5546487.

ClinVar aggregate classification (germline): Uncertain significance. Review status: criteria provided, multiple submitters, no conflicts (2 of 4 stars). 5 submissions from 5 submitters: Uncertain significance (5). Last evaluated 2025-11-01.

Conditions:
Pituitary adenoma 5, multiple types. Identifiers: MedGen C4539685, MONDO:0054601, OMIM 617540.
Usher syndrome type 1D (USH1D). Also called: USHER SYNDROME, TYPE ID. Identifiers: Orphanet 231169, Orphanet 886, MedGen C1832845, MONDO:0010984, OMIM 601067.
Autosomal recessive nonsyndromic hearing loss 12. Also called: DEAFNESS, AUTOSOMAL RECESSIVE 12. Identifiers: Orphanet 90636, MedGen C1832394, MONDO:0011067, OMIM 601386.

Allele frequency attached by ClinVar (database versions not stated): TOPMed 0.00002; gnomAD 0.00004.
gnomAD v4.1: 32 of 1,613,710 alleles (0.002%); highest among the groups gnomAD compares: Non-Finnish European, 0.0025%; no homozygotes.

Submissions (5):

CeGaT Center for Human Genetics Tuebingen
Classification: Uncertain significance. Last evaluated: 2025-11-01. Review status: criteria provided, single submitter. Criteria: CeGaT Center For Human Genetics Tuebingen Variant Classification Criteria Version 2. Collection method: clinical testing. Allele origin: germline. Affected: yes. Observed: 2 variant alleles.
Comment: CDH23: PM2

GeneDx
Classification: Uncertain significance. Last evaluated: 2024-11-21. Review status: criteria provided, single submitter. Criteria: GeneDx Variant Classification Process June 2021. Collection method: clinical testing. Allele origin: germline. Affected: yes.
Comment: Not observed at significant frequency in large population cohorts (gnomAD); In silico analysis supports that this missense variant has a deleterious effect on protein structure/function; Has not been previously published as pathogenic or benign to our knowledge

Blueprint Genetics
Classification: Uncertain significance. Last evaluated: 2024-07-13. Review status: criteria provided, single submitter. Criteria: ACMG Guidelines, 2015. Collection method: clinical testing. Allele origin: germline.

Labcorp Genetics (formerly Invitae), Labcorp
Classification: Uncertain significance. Last evaluated: 2022-06-13. Review status: criteria provided, single submitter. Criteria: Invitae Variant Classification Sherloc (09022015). Collection method: clinical testing. Allele origin: germline.
Comment: This sequence change replaces valine, which is neutral and non-polar, with methionine, which is neutral and non-polar, at codon 2648 of the CDH23 protein (p.Val2648Met). This variant is present in population databases (rs749501038, gnomAD 0.002%). This variant has not been reported in the literature in individuals affected with CDH23-related conditions. Algorithms developed to predict the effect of missense changes on protein structure and function are either unavailable or do not agree on the potential impact of this missense change (SIFT: "Deleterious"; PolyPhen-2: "Not Available"; Align-GVGD: "Class C0"). In summary, the available evidence is currently insufficient to determine the role of this variant in disease. Therefore, it has been classified as a Variant of Uncertain Significance.

Fulgent Genetics
Classification: Uncertain significance for Usher syndrome type 1D; Autosomal recessive nonsyndromic hearing loss 12; Pituitary adenoma 5, multiple types. Last evaluated: 2021-09-14. Review status: criteria provided, single submitter. Criteria: ACMG Guidelines, 2015. Collection method: clinical testing. Allele origin: unknown.